The following is an entry in ClinVar:

ClinVar aggregate classification (germline): Benign/Likely benign. Review status: criteria provided, multiple submitters, no conflicts (2 of 4 stars). 2 submissions from 2 submitters: Benign (1); Likely benign (1). Last evaluated 2026-07-01.

Allele frequency attached by ClinVar (database versions not stated): gnomAD 0.00220 and 0.00233; TOPMed 0.00230; ESP Exome Variant Server 0.00276; 1000 Genomes Project 30x 0.00312; 1000 Genomes Project 0.00339; gnomAD exomes 0.00028 and 0.00073; ExAC 0.00096.
gnomAD v4.1: 754 of 1,613,724 alleles (0.047%); highest among the groups gnomAD compares: African/African-American, 0.66%; no homozygotes.

Submissions (2):

CeGaT Center for Human Genetics Tuebingen
Classification: Likely benign. Last evaluated: 2026-07-01. Review status: criteria provided, single submitter. Criteria: CeGaT Center For Human Genetics Tuebingen Variant Classification Criteria Version 2. Collection method: clinical testing. Allele origin: germline. Affected: yes. Observed: 1 variant allele.
Comment: INPP4A: BP4, BP7

Labcorp Genetics (formerly Invitae), Labcorp
Classification: Benign. Last evaluated: 2019-12-31. Review status: criteria provided, single submitter. Criteria: Invitae Variant Classification Sherloc (09022015). Collection method: clinical testing. Allele origin: germline.

NM_001134225.2(INPP4A):c.1965C>T (p.Ser655=)

Gene: INPP4A (inositol polyphosphate-4-phosphatase type I A; plus strand). Cytogenetic location: 2q11.2.
Variant type: single nucleotide variant.
Coding change: c.1965C>T on transcript NM_001134225.2 (MANE Select); coding-DNA position 1965, C replaced by T.
Protein change: p.Ser655=; no amino-acid change (serine 655 retained).
Molecular consequence: synonymous variant.
Genome position (GRCh38, 1-based): chr2:98,563,574, C>T. VCF-style: chr2-98563574-C-T. GRCh37 (hg19) VCF-style: chr2-99180037-C-T.
Other names: c.1980C>T, p.Ser660= (NM_001134224.2); c.1866C>T, p.Ser622= (NM_001351424.1, NM_001351425.2, NM_001351426.2); c.1863C>T, p.Ser621= (NM_001351427.2, NM_001566.2, NM_004027.3); c.1848C>T, p.Ser616= (NM_001351428.2); c.1815C>T, p.Ser605= (NM_001351429.2).
Identifiers: ClinVar variation 789702 (VCV000789702.5), dbSNP rs144299785, ClinGen allele CA1794723.
Genomic context (GRCh38, chr2:98,563,574, plus strand): 5'-CGTGGCCATGATGAGTGACAAGGCCAAGAAGGCCATGGTATTCCTGCTCATGCAGGACAG[C>T]GCGCCCACCATAGCCACCTACCTGAGCCTGCAGTACCGCCGTGACGTGGTCTTCTGCCAG-3'
Protein context (NP_001127697.1, residues 645-665): KAMVFLLMQD[Ser655=]APTIATYLSL